The following is an entry in ClinVar:

ClinVar aggregate classification (germline): Likely benign (1 of 4 stars; one submission).

Allele frequency attached by ClinVar (database versions not stated): gnomAD exomes 0.00002; ExAC 0.00006; gnomAD 0.00016; TOPMed 0.00032; 1000 Genomes Project 0.00040; 1000 Genomes Project 30x 0.00047.
gnomAD v4.1: 60 of 1,612,000 alleles (0.0037%); highest among the groups gnomAD compares: Admixed American, 0.057%; 1 homozygote.

Submission:

CeGaT Center for Human Genetics Tuebingen
Classification: Likely benign. Last evaluated: 2022-07-01. Review status: criteria provided, single submitter. Criteria: CeGaT Center For Human Genetics Tuebingen Variant Classification Criteria Version 2. Collection method: clinical testing. Allele origin: germline. Affected: yes. Observed: 1 variant allele.
Comment: RASAL1: BP4, BP7

NM_001301202.2(RASAL1):c.1650G>A (p.Gly550=)

Gene: RASAL1 (RAS protein activator like 1; minus strand). Cytogenetic location: 12q24.13.
Variant type: single nucleotide variant.
Coding change: c.1650G>A on transcript NM_001301202.2 (MANE Select); coding-DNA position 1650, G replaced by A.
Protein change: p.Gly550=; no amino-acid change (glycine 550 retained).
Molecular consequence: synonymous variant.
Genome position (GRCh38, 1-based): chr12:113,107,104, C>T on the plus strand (G>A on the coding strand, the complement: RASAL1 is on the minus strand). VCF-style: chr12-113107104-C-T. GRCh37 (hg19) VCF-style: chr12-113544909-C-T.
Other names: c.1653G>A, p.Gly551= (NM_001193520.2, NM_001394081.1); c.1650G>A, p.Gly550= (NM_001193521.3, NM_001394082.1, NM_001394083.1 and 4 more transcripts); c.1461G>A, p.Gly487= (NM_001394087.1); c.1287G>A, p.Gly429= (NM_001394088.1); c.984G>A, p.Gly328= (NM_001394089.1).
Identifiers: ClinVar variation 2643348 (VCV002643348.24), dbSNP rs185436972, ClinGen allele CA6802476.